The following is an entry in ClinVar:

ClinVar aggregate classification (germline): Uncertain significance (1 of 4 stars; one submission).

Allele frequency attached by ClinVar (database versions not stated): gnomAD exomes below 0.00001; TOPMed 0.00002.
gnomAD v4.1: 5 of 1,176,985 alleles (0.00042%); highest among the groups gnomAD compares: Admixed American, 0.0022%; no homozygotes.

Submission:

Labcorp Genetics (formerly Invitae), Labcorp
Classification: Uncertain significance. Last evaluated: 2022-09-01. Review status: criteria provided, single submitter. Criteria: Invitae Variant Classification Sherloc (09022015). Collection method: clinical testing. Allele origin: germline.
Comment: In summary, the available evidence is currently insufficient to determine the role of this variant in disease. Therefore, it has been classified as a Variant of Uncertain Significance. Algorithms developed to predict the effect of missense changes on protein structure and function are either unavailable or do not agree on the potential impact of this missense change (SIFT: "Deleterious"; PolyPhen-2: "Probably Damaging"; Align-GVGD: "Class C0"). This variant has not been reported in the literature in individuals affected with FRMD7-related conditions. The frequency data for this variant in the population databases is considered unreliable, as metrics indicate poor data quality at this position in the gnomAD database. This sequence change replaces arginine, which is basic and polar, with glutamine, which is neutral and polar, at codon 304 of the FRMD7 protein (p.Arg304Gln).

NM_194277.3(FRMD7):c.911G>A (p.Arg304Gln)

Gene: FRMD7 (FERM domain containing 7; minus strand). Cytogenetic location: Xq26.2.
Variant type: single nucleotide variant.
Coding change: c.911G>A on transcript NM_194277.3 (MANE Select); coding-DNA position 911, G replaced by A.
Protein change: p.Arg304Gln; replaces arginine 304 with glutamine.
Molecular consequence: missense variant.
Genome position (GRCh38, 1-based): chrX:132,080,261, C>T on the plus strand (G>A on the coding strand, the complement: FRMD7 is on the minus strand). VCF-style: chrX-132080261-C-T. GRCh37 (hg19) VCF-style: chrX-131214289-C-T.
Other names: c.866G>A, p.Arg289Gln (NM_001306193.2); short protein forms R289Q, R304Q.
Identifiers: ClinVar variation 2416529 (VCV002416529.6), dbSNP rs1365805940, ClinGen allele CA414680281.
Genomic context (GRCh38, chrX:132,080,261, plus strand): 5'-TCAAATGGCAAGCTCTTCAGCCTCCCTTTTCTCCCATATTCCAAAAGTTGCCTTTGGGTT[C>T]GTCCACTATCATAAGGAACAATAAAAATCCTTAGTTCTAGCCATAAACCAATAGGCTACT-3'
Protein context (NP_919253.1, residues 294-314): SKGSSFRYSG[Arg304Gln]TQRQLLEYGR